The following is an entry in ClinVar:

NC_000022.10:g.(?_34157338)_(34157463_?)dup

Gene: LARGE1 (LARGE xylosyl- and glucuronyltransferase 1; minus strand). Cytogenetic location: 22q12.3.
Variant type: Duplication.
Identifiers: ClinVar variation 1512693 (VCV001512693.7).

ClinVar aggregate classification (germline): Uncertain significance (1 of 4 stars; one submission).

Conditions:
Muscular dystrophy-dystroglycanopathy type B6 (MDDGB6). Also called: MUSCULAR DYSTROPHY-DYSTROGLYCANOPATHY (CONGENITAL WITH IMPAIRED INTELLECTUAL DEVELOPMENT), TYPE B, 6; MUSCULAR DYSTROPHY, CONGENITAL, LARGE-RELATED; MUSCULAR DYSTROPHY, CONGENITAL, TYPE 1D. Identifiers: MedGen C1837229, MONDO:0012138, OMIM 608840.

Submission:

Labcorp Genetics (formerly Invitae), Labcorp
Classification: Uncertain significance for Muscular dystrophy-dystroglycanopathy type B6. Last evaluated: 2021-01-28. Review status: criteria provided, single submitter. Criteria: Invitae Variant Classification Sherloc (09022015). Collection method: clinical testing. Allele origin: germline.
Comment: In summary, the available evidence is currently insufficient to determine the role of this variant in disease. Therefore, it has been classified as a Variant of Uncertain Significance. This variant has not been reported in the literature in individuals with LARGE1-related conditions. This variant results in a copy number gain of the genomic region encompassing exon(s) 3 of the LARGE1 gene. This region includes the initiator codon of the gene. The 5' end of this event is unknown as it extends beyond the assayed region for this gene and therefore may encompass additional genes. The 3' boundary is likely confined to intron 3 of the LARGE1 gene. As the precise location of this event is unknown, it may be in tandem or it may be located elsewhere in the genome.